The following is an entry in ClinVar:

ClinVar aggregate classification (germline): Pathogenic (1 of 4 stars; one submission).

Submission:

Labcorp Genetics (formerly Invitae), Labcorp
Classification: Pathogenic. Last evaluated: 2025-01-08. Review status: criteria provided, single submitter. Criteria: Invitae Variant Classification Sherloc (09022015). Collection method: clinical testing. Allele origin: germline.
Comment: This sequence change creates a premature translational stop signal (p.Trp1195Alafs*10) in the PTPN23 gene. It is expected to result in an absent or disrupted protein product. Loss-of-function variants in PTPN23 are known to be pathogenic (PMID: 29090338, 29899372). This variant is not present in population databases (gnomAD no frequency). This variant has not been reported in the literature in individuals affected with PTPN23-related conditions. For these reasons, this variant has been classified as Pathogenic.

Literature cited by the submitters: PubMed 29090338; PubMed 29899372.

NM_015466.4(PTPN23):c.3582_3583del (p.Trp1195fs)

Gene: PTPN23 (protein tyrosine phosphatase non-receptor type 23; plus strand). Cytogenetic location: 3p21.31.
Variant type: Deletion.
Coding change: c.3582_3583del on transcript NM_015466.4 (MANE Select); coding-DNA positions 3582 to 3583, 2 bases deleted (CT; older notation c.3582_3583delCT).
Protein change: p.Trp1195fs; shifts the reading frame from tryptophan 1195.
Molecular consequence: frameshift variant.
Genome position (GRCh38, 1-based): chr3:47,411,380-47,411,381, CT deleted; deleting any 2 consecutive bases within chr3:47,411,379-47,411,381 gives the same sequence; the c. name uses the placement nearest the transcript's 3' end. VCF-style (leftmost placement, unchanged base first): chr3-47411378-GTC-G. GRCh37 (hg19) VCF-style: chr3-47452868-GTC-G.
Other names: c.3204_3205del, p.Trp1069fs (NM_001304482.2); short protein forms W1069fs, W1195fs.
Identifiers: ClinVar variation 3728676 (VCV003728676.2).